The following is an entry in ClinVar:

ClinVar aggregate classification (germline): Benign (0 of 4 stars; one submission).

Conditions:
MFHAS1-related disorder. Also called: MFHAS1-related condition.

Allele frequency attached by ClinVar (database versions not stated): 1000 Genomes Project 30x 0.09197; 1000 Genomes Project 0.09385; TOPMed 0.12727; gnomAD 0.13931; ESP Exome Variant Server 0.14670; ExAC 0.15258; gnomAD exomes 0.18525.
gnomAD v4.1: 291,038 of 1,613,694 alleles (18%); highest among the groups gnomAD compares: Non-Finnish European, 20%; 28,180 homozygotes.

Submission:

PreventionGenetics, part of Exact Sciences
Classification: Benign for MFHAS1-related condition. Last evaluated: 2019-11-20. Review status: no assertion criteria provided. Collection method: clinical testing. Allele origin: germline.
Comment: This variant is classified as benign based on ACMG/AMP sequence variant interpretation guidelines (Richards et al. 2015 PMID: 25741868, with internal and published modifications).

NM_004225.3(MFHAS1):c.3102G>A (p.Pro1034=)

Gene: MFHAS1 (multifunctional ROCO family signaling regulator 1). Cytogenetic location: 8p23.1.
Variant type: single nucleotide variant.
Coding change: c.3102G>A on transcript NM_004225.3 (MANE Select); coding-DNA position 3102, G replaced by A.
Protein change: p.Pro1034=; no amino-acid change (proline 1034 retained).
Molecular consequence: synonymous variant.
Genome position (GRCh38, 1-based): chr8:8,797,388, C>T on the plus strand (G>A on the coding strand, the complement: MFHAS1 is on the minus strand). VCF-style: chr8-8797388-C-T. GRCh37 (hg19) VCF-style: chr8-8654898-C-T.
Identifiers: ClinVar variation 3056038 (VCV003056038.2), dbSNP rs3827812, ClinGen allele CA4618805.
Genomic context (GRCh38, chr8:8,797,388, plus strand): 5'-GCCAGGTCCCGGGGCCAGAGGGACTTTGAGAACTCACTTGGAACAGGGGCTGATCACAGT[C>T]GGCGTGGGTGGGTAAACCAAGGCAACATTTACTCGCTCGCTGCCGTTCTTGGGGCAAATG-3'
Protein context (NP_004216.2, residues 1024-1044): VNVALVYPPT[Pro1034=]TVISPCSKKN